The following is an entry in ClinVar:

NM_004415.4(DSP):c.5631T>C (p.Ala1877=)

Gene: DSP (desmoplakin; plus strand). Cytogenetic location: 6p24.3.
Variant type: single nucleotide variant.
Coding change: c.5631T>C on transcript NM_004415.4 (MANE Select); coding-DNA position 5631, T replaced by C.
Protein change: p.Ala1877=; no amino-acid change (alanine 1877 retained).
Molecular consequence: synonymous variant.
Genome position (GRCh38, 1-based): chr6:7,582,893, T>C. VCF-style: chr6-7582893-T-C. GRCh37 (hg19) VCF-style: chr6-7583126-T-C.
Other names: c.5631T>C (LRG_423t1); c.3834T>C, p.Ala1278= (NM_001008844.3); c.4302T>C, p.Ala1434= (NM_001319034.2).
Identifiers: ClinVar variation 496247 (VCV000496247.17), dbSNP rs1231651139, ClinGen allele CA448715420.

ClinVar aggregate classification (germline): Likely benign. Review status: criteria provided, multiple submitters, no conflicts (2 of 4 stars). 5 submissions from 5 submitters: Likely benign (5). Last evaluated 2025-01-31.

Conditions:
Cardiovascular phenotype. Identifiers: MedGen CN230736.
Cardiomyopathy (CMYO). Also called: Cardiomyopathies. Identifiers: Orphanet 167848, MedGen C0878544, MONDO:0004994, HP:0001638. Inheritance: Various modes of inheritance.
Arrhythmogenic right ventricular dysplasia 8 (ARVD8). Also called: ARRHYTHMOGENIC RIGHT VENTRICULAR CARDIOMYOPATHY 8; Arrhythmogenic Right Ventricular Dysplasia/Cardiomyopathy 8; ARRHYTHMOGENIC RIGHT VENTRICULAR DYSPLASIA, FAMILIAL, 8. Identifiers: MedGen C1843896, MONDO:0011831, OMIM 607450.
Arrhythmogenic cardiomyopathy with wooly hair and keratoderma. Also called: Arrhythmogenic cardiomyopathy with woolly hair and keratoderma; PALMOPLANTAR KERATODERMA WITH LEFT VENTRICULAR CARDIOMYOPATHY AND WOOLLY HAIR; Carvajal syndrome; Dilated cardiomyopathy with woolly hair and keratoderma. Identifiers: Orphanet 65282, MedGen C1854063, MONDO:0011581, OMIM 605676.

Allele frequency attached by ClinVar (database versions not stated): gnomAD 0.00001; gnomAD exomes 0.00001; TOPMed 0.00002.
gnomAD v4.1: 16 of 1,613,788 alleles (0.00099%); highest among the groups gnomAD compares: African/African-American, 0.0027%; no homozygotes.

Submissions (5):

Labcorp Genetics (formerly Invitae), Labcorp
Classification: Likely benign for Arrhythmogenic cardiomyopathy with wooly hair and keratoderma; Arrhythmogenic right ventricular dysplasia 8. Last evaluated: 2025-01-31. Review status: criteria provided, single submitter. Criteria: Invitae Variant Classification Sherloc (09022015). Collection method: clinical testing. Allele origin: germline.

All of Us Research Program, National Institutes of Health
Classification: Likely benign for Arrhythmogenic cardiomyopathy with wooly hair and keratoderma. Last evaluated: 2023-10-30. Review status: criteria provided, single submitter. Criteria: ACMG Guidelines, 2015. Collection method: clinical testing. Allele origin: germline. Inheritance: Autosomal dominant inheritance. Observed: 5 variant alleles, 5 heterozygotes.
Comment: This study involves interpretation of variants in research participants for the purpose of population health screening. Participant phenotype was not available at the time of variant classification. Additional details can be found in publication PMID: 35346344, PMCID: PMC8962531

Ambry Genetics
Classification: Likely benign for Cardiovascular phenotype. Last evaluated: 2022-08-08. Review status: criteria provided, single submitter. Criteria: Ambry Variant Classification Scheme 2023. Collection method: clinical testing. Allele origin: germline.

Color Diagnostics, LLC DBA Color Health
Classification: Likely benign for Cardiomyopathy. Last evaluated: 2020-04-28. Review status: criteria provided, single submitter. Criteria: ACMG Guidelines, 2015. Collection method: clinical testing. Allele origin: germline.

Women's Health and Genetics/Laboratory Corporation of America, LabCorp
Classification: Likely benign. Last evaluated: 2019-08-28. Review status: criteria provided, single submitter. Criteria: LabCorp Variant Classification Summary - May 2015. Collection method: clinical testing. Allele origin: germline.